The following is an entry in ClinVar:

ClinVar aggregate classification (germline): Uncertain significance (1 of 4 stars; one submission).

Conditions:
FAT1-related disorder. Also called: FAT1-related condition.

Allele frequency attached by ClinVar (database versions not stated): gnomAD 0.00001; gnomAD exomes 0.00001; TOPMed 0.00001; ExAC 0.00003.
gnomAD v4.1: 16 of 1,577,874 alleles (0.001%); highest among the groups gnomAD compares: Middle Eastern, 0.017%; no homozygotes.

Submission:

PreventionGenetics, part of Exact Sciences
Classification: Uncertain significance for FAT1-related condition. Last evaluated: 2022-12-21. Review status: criteria provided, single submitter. Criteria: ACMG Guidelines, 2015. Collection method: clinical testing. Allele origin: germline.
Comment: The FAT1 c.9106G>A variant is predicted to result in the amino acid substitution p.Val3036Ile. To our knowledge, this variant has not been reported in the literature. This variant is reported in 0.0040% of alleles in individuals of South Asian descent in gnomAD. At this time, the clinical significance of this variant is uncertain due to the absence of conclusive functional and genetic evidence.

NM_005245.4(FAT1):c.9106G>A (p.Val3036Ile)

Gene: FAT1 (FAT atypical cadherin 1; minus strand). Cytogenetic location: 4q35.2.
Variant type: single nucleotide variant.
Coding change: c.9106G>A on transcript NM_005245.4 (MANE Select); coding-DNA position 9106, G replaced by A.
Protein change: p.Val3036Ile; replaces valine 3036 with isoleucine.
Molecular consequence: missense variant.
Genome position (GRCh38, 1-based): chr4:186,614,314, C>T on the plus strand (G>A on the coding strand, the complement: FAT1 is on the minus strand). VCF-style: chr4-186614314-C-T. GRCh37 (hg19) VCF-style: chr4-187535468-C-T.
Other names: short protein forms V3036I.
Identifiers: ClinVar variation 2628541 (VCV002628541.1), dbSNP rs774005063, ClinGen allele CA3165732.